The following is an entry in ClinVar:

ClinVar aggregate classification (germline): Pathogenic (1 of 4 stars; one submission).

Submission:

Labcorp Genetics (formerly Invitae), Labcorp
Classification: Pathogenic. Last evaluated: 2022-06-29. Review status: criteria provided, single submitter. Criteria: Invitae Variant Classification Sherloc (09022015). Collection method: clinical testing. Allele origin: germline.
Comment: For these reasons, this variant has been classified as Pathogenic. This variant has not been reported in the literature in individuals affected with CENPJ-related conditions. A gross deletion of the genomic region encompassing the full coding sequence of the CENPJ gene has been identified. Loss-of-function variants in CENPJ are known to be pathogenic (PMID: 15793586, 16900296, 20522431). The boundaries of this event are unknown as they extend beyond the assayed region for this gene and therefore may encompass additional genes.

Literature cited by the submitters: PubMed 15793586; PubMed 16900296; PubMed 20522431.

NC_000013.10:g.(?_24293859)_(26594123_?)del

Genes: AMER2 (APC membrane recruitment protein 2; minus strand), ATP12A (ATPase H+/K+ transporting non-gastric alpha2 subunit; plus strand), MTMR6 (myotubularin related protein 6; minus strand), ATP8A2 (ATPase phospholipid transporting 8A2), C1QTNF9 (C1q and TNF related 9; plus strand) and 9 more. Cytogenetic location: 13q12.12-12.13.
Variant type: Deletion.
Identifiers: ClinVar variation 2426474 (VCV002426474.5).